The following is an entry in ClinVar:

NM_001322934.2(NFKB2):c.2610C>G (p.Ser870Arg)

Gene: NFKB2 (nuclear factor kappa B subunit 2; plus strand). Cytogenetic location: 10q24.32.
Variant type: single nucleotide variant.
Coding change: c.2610C>G on transcript NM_001322934.2 (MANE Select); coding-DNA position 2610, C replaced by G.
Protein change: p.Ser870Arg; replaces serine 870 with arginine.
Molecular consequence: missense variant.
Genome position (GRCh38, 1-based): chr10:102,402,283, C>G. VCF-style: chr10-102402283-C-G. GRCh37 (hg19) VCF-style: chr10-104162040-C-G.
Other names: c.2610C>G, p.Ser870Arg (NM_001077494.3); c.2607C>G, p.Ser869Arg (NM_001261403.3, NM_001288724.1, NM_002502.6); c.2484C>G, p.Ser828Arg (NM_001322935.1); short protein forms S828R, S870R, S869R.
Identifiers: ClinVar variation 4995950 (VCV004995950.1).

ClinVar aggregate classification (germline): Uncertain significance (1 of 4 stars; one submission).

Conditions:
NFKB2-related disorder. Also called: NFKB2-related condition.

Submission:

PreventionGenetics, part of Exact Sciences
Classification: Uncertain significance for NFKB2-related condition. Last evaluated: 2026-08-05. Review status: criteria provided, single submitter. Criteria: ACMG Guidelines, 2015. Collection method: clinical testing. Allele origin: germline.
Comment: The NFKB2 c.2610C>G variant is predicted to result in the amino acid substitution p.Ser870Arg. To our knowledge, this variant has not been reported in the literature or in a large population database (gnomAD), indicating this variant is rare. Functional studies of an alternate missense variant at this amino acid (p.Ser870Asn) indicate this variant results in a loss-of-function (Le Voyer et al. 2023. PubMed ID: 37938781). Although we suspect that the p.Ser870Arg variant may be pathogenic, at this time, the clinical significance of this variant is uncertain due to the absence of conclusive functional and genetic evidence.